The following is an entry in ClinVar:

NM_001001331.4(ATP2B2):c.358G>A (p.Gly120Arg)

Gene: ATP2B2 (ATPase plasma membrane Ca2+ transporting 2; minus strand). Cytogenetic location: 3p25.3.
Variant type: single nucleotide variant.
Coding change: c.358G>A on transcript NM_001001331.4 (MANE Select); coding-DNA position 358, G replaced by A.
Protein change: p.Gly120Arg; replaces glycine 120 with arginine.
Molecular consequence: missense variant.
Genome position (GRCh38, 1-based): chr3:10,410,657, C>T on the plus strand (G>A on the coding strand, the complement: ATP2B2 is on the minus strand). VCF-style: chr3-10410657-C-T. GRCh37 (hg19) VCF-style: chr3-10452341-C-T.
Other names: c.358G>A, p.Gly120Arg (NM_001438646.1, NM_001683.5, NM_001330611.3 and 3 more transcripts); short protein forms G120R.
Identifiers: ClinVar variation 4690272 (VCV004690272.1).

ClinVar aggregate classification (germline): Pathogenic (1 of 4 stars; one submission).

Conditions:
Intellectual disability. Also called: Intellectual functioning disability; intellectual disabilities; Intellectual developmental disorder. Identifiers: MedGen C3714756, MeSH D008607, MONDO:0001071, HP:0001249.

Submission:

Laboratory Cellgenetics, GMDL Cellgenetics
Classification: Pathogenic for Intellectual disability. Last evaluated: 2025-12-11. Review status: criteria provided, single submitter. Criteria: ACMG Guidelines, 2015. Collection method: clinical testing. Allele origin: de novo. Inheritance: Autosomal dominant inheritance. Affected: yes. Observed: 1 heterozygote.
Comment: Additionaly, functional studies with HeLa cells (wild-type and mutant) demonstrated that the substitution has a deleterious effect on protein function, leading to gain-of-function and overactivation of the ATP2B2 protein (Poggio et al, 2023). The variant is localised within an important functional domain (Cation transporter/ATPase, N-terminus; InterPro: IPR004014), which is responsible for the export of Ca2+ out of cells (Poggio et al, 2023) and was absent from large population studies. A computer algorithm (AlphaMissense = 0.9981) indicates that the variant is most likely to have a damaging effect. In summary, the p.Gly120Arg variant in ATP2B2 meets our criteria to be classified as pathogenic.

Literature cited by the submitters: DOI 10.1016/j.gim.2023.100971; DOI 10.1111/cge.14622.